The following is an entry in ClinVar:

NM_005263.5(GFI1):c.686T>G (p.Leu229Arg)

Gene: GFI1 (growth factor independent 1 transcriptional repressor; minus strand). Cytogenetic location: 1p22.1.
Variant type: single nucleotide variant.
Coding change: c.686T>G on transcript NM_005263.5 (MANE Select); coding-DNA position 686, T replaced by G.
Protein change: p.Leu229Arg; replaces leucine 229 with arginine.
Molecular consequence: missense variant.
Genome position (GRCh38, 1-based): chr1:92,480,701, A>C on the plus strand (T>G on the coding strand, the complement: GFI1 is on the minus strand). VCF-style: chr1-92480701-A-C. GRCh37 (hg19) VCF-style: chr1-92946258-A-C.
Other names: c.686T>G, p.Leu229Arg (NM_001127215.3, NM_001127216.3); short protein forms L229R.
Identifiers: ClinVar variation 4858019 (VCV004858019.1).
Genomic context (GRCh38, chr1:92,480,701, plus strand): 5'-AGCAGGCGGGTGCACAGCAGCTCCGACTCCACCTTGACGCCAGCGCCCTTGTCTGCGTGC[A>C]GCCCGTGGCCACGCTCGGGGTACAGCAAGCCCGCCGCTGCCGTGGGCCTCTCATACAGCC-3'
Protein context (NP_005254.2, residues 219-239): GLLYPERGHG[Leu229Arg]HADKGAGVKV

ClinVar aggregate classification (germline): Uncertain significance (1 of 4 stars; one submission).

gnomAD v4.1: 5 of 1,596,110 alleles (0.00031%); highest among the groups gnomAD compares: Non-Finnish European, 0.00042%; no homozygotes.

Submission:

Ambry Genetics
Classification: Uncertain significance. Last evaluated: 2026-03-16. Review status: criteria provided, single submitter. Criteria: Ambry Variant Classification Scheme 2023. Collection method: clinical testing. Allele origin: germline.
Comment: The p.L229R variant (also known as c.686T>G), located in coding exon 3 of the GFI1 gene, results from a T to G substitution at nucleotide position 686. The leucine at codon 229 is replaced by arginine, an amino acid with dissimilar properties. This amino acid position is conserved. In addition, this alteration is predicted to be tolerated by in silico analysis. Based on the available evidence, the clinical significance of this variant remains unclear.